The following is an entry in ClinVar:

NM_004364.5(CEBPA):c.891dup (p.Lys298fs)

Gene: CEBPA (CCAAT enhancer binding protein alpha; minus strand). Cytogenetic location: 19q13.11.
Variant type: Duplication.
Coding change: c.891dup on transcript NM_004364.5 (MANE Select); coding-DNA position 891, one base duplicated (C; older notation c.891dupC).
Protein change: p.Lys298fs; shifts the reading frame from lysine 298.
Molecular consequence: frameshift variant.
Genome position (GRCh38, 1-based): chr19:33,301,524, G duplicated on the plus strand (C on the coding strand, the reverse complement: CEBPA is on the minus strand). VCF-style (leftmost placement, unchanged base first): chr19-33301523-T-TG. GRCh37 (hg19) VCF-style: chr19-33792429-T-TG.
Other names: c.534dup, p.Lys179fs (NM_001285829.2); c.996dup, p.Lys333fs (NM_001287424.2); c.849dup, p.Lys284fs (NM_001287435.2); c.891dupC (NM_004364.3); short protein forms K298fs, K333fs, K179fs, K284fs.
Identifiers: ClinVar variation 2700309 (VCV002700309.4), dbSNP rs2513328613, ClinGen allele CA2697556435.

ClinVar aggregate classification (germline): Uncertain significance. Review status: criteria provided, multiple submitters, no conflicts (2 of 4 stars). 2 submissions from 2 submitters: Uncertain significance (2). Last evaluated 2026-02-11.

Conditions:
Acute myeloid leukemia (AML). Also called: Acute myeloid leukemia, adult; AML adult; Acute non-lymphocytic leukemia; Acute granulocytic leukemia; Leukemia, acute myeloid, somatic; Leukemia, acute myelogenous, somatic. Identifiers: Orphanet 519, MedGen C0023467, MeSH D015470, MONDO:0018874, OMIM 601626, HP:0004808. Disease mechanism: Constitutively activated FLT3.
Inborn genetic diseases. Identifiers: MedGen C0950123, MeSH D030342.

Submissions (2):

Ambry Genetics
Classification: Uncertain significance for Inborn genetic diseases. Last evaluated: 2026-02-11. Review status: criteria provided, single submitter. Criteria: Ambry Variant Classification Scheme 2023. Collection method: clinical testing. Allele origin: germline.
Comment: The c.891dupC variant, located in coding exon 1 of the CEBPA gene, results from a duplication of C at nucleotide position 891, causing a translational frameshift with a predicted alternate stop codon (p.K298Qfs*23). Premature termination codons are typically deleterious in nature; however, because CEBPA is a single-exon gene, this alteration is not expected to trigger nonsense-mediated mRNA decay, and an altered protein could still be expressed (Maquat LE. Nat Rev Mol Cell Biol, 2004 Feb;5:89-99). This alteration impacts the last 17% of the protein. This shortened protein is unlikely to be functional. However, loss of function of CEBPA has not been established as a mechanism of disease. Based on the available evidence, the clinical significance of this variant remains unclear.

Labcorp Genetics (formerly Invitae), Labcorp
Classification: Uncertain significance for Acute myeloid leukemia. Last evaluated: 2023-06-09. Review status: criteria provided, single submitter. Criteria: Invitae Variant Classification Sherloc (09022015). Collection method: clinical testing. Allele origin: germline.
Comment: In summary, the available evidence is currently insufficient to determine the role of this variant in disease. Therefore, it has been classified as a Variant of Uncertain Significance. Experimental studies and prediction algorithms are not available or were not evaluated, and the functional significance of this variant is currently unknown. This variant has not been reported in the literature in individuals affected with CEBPA-related conditions. This variant is not present in population databases (gnomAD no frequency). This sequence change creates a premature translational stop signal (p.Lys298Glnfs*23) in the CEBPA gene. While this is not anticipated to result in nonsense mediated decay, it is expected to disrupt the last 61 amino acid(s) of the CEBPA protein.